The following is an entry in ClinVar:

NM_177972.3(TUB):c.1215+7G>A

Genes: RIC3 (RIC3 acetylcholine receptor chaperone; minus strand), TUB (TUB bipartite transcription factor; plus strand). Cytogenetic location: 11p15.4.
Variant type: single nucleotide variant.
Coding change: c.1215+7G>A on transcript NM_177972.3 (MANE Select); 7 bases into the intron after coding-DNA position 1215, G replaced by A.
Molecular consequence: intron variant.
Genome position (GRCh38, 1-based): chr11:8,100,608, G>A. VCF-style: chr11-8100608-G-A. GRCh37 (hg19) VCF-style: chr11-8122155-G-A.
Other names: c.1380+7G>A (NM_003320.5, NM_003320.4).
Identifiers: ClinVar variation 1918962 (VCV001918962.8), dbSNP rs769726925, ClinGen allele CA5871403.

ClinVar aggregate classification (germline): Likely benign. Review status: criteria provided, multiple submitters, no conflicts (2 of 4 stars). 3 submissions from 3 submitters: Likely benign (2). 1 of the submissions does not count toward it. Last evaluated 2025-11-03.

Conditions:
TUB-related disorder. Also called: TUB-related condition.

Allele frequency attached by ClinVar (database versions not stated): gnomAD 0.00001; gnomAD exomes 0.00001; ExAC 0.00002; TOPMed 0.00002.
gnomAD v4.1: 21 of 1,612,474 alleles (0.0013%); highest among the groups gnomAD compares: South Asian, 0.015%; 1 homozygote.

Submissions (3):

Labcorp Genetics (formerly Invitae), Labcorp
Classification: Likely benign. Last evaluated: 2025-11-03. Review status: criteria provided, single submitter. Criteria: Invitae Variant Classification Sherloc (09022015). Collection method: clinical testing. Allele origin: germline.

Blueprint Genetics
Classification: Likely benign. Last evaluated: 2024-10-18. Review status: criteria provided, single submitter. Criteria: ACMG Guidelines, 2015. Collection method: clinical testing. Allele origin: germline.

PreventionGenetics, part of Exact Sciences
Classification: Likely benign for TUB-related condition. Last evaluated: 2022-04-10. Review status: no assertion criteria provided. Collection method: clinical testing. Allele origin: germline. Not counted in ClinVar's aggregate classification.
Comment: This variant is classified as likely benign based on ACMG/AMP sequence variant interpretation guidelines (Richards et al. 2015 PMID: 25741868, with internal and published modifications).